The following is an entry in ClinVar:

ClinVar aggregate classification (germline): Uncertain significance. Review status: criteria provided, multiple submitters, no conflicts (2 of 4 stars). 3 submissions from 3 submitters: Uncertain significance (3). Last evaluated 2026-08-13.

Conditions:
Inborn genetic diseases. Identifiers: MedGen C0950123, MeSH D030342.

Allele frequency attached by ClinVar (database versions not stated): gnomAD exomes below 0.00001.
gnomAD v4.1: 1 of 1,614,098 alleles (0.000062%); highest among the groups gnomAD compares: East Asian, 0.0022%; no homozygotes.

Submissions (3):

Ambry Genetics
Classification: Uncertain significance for Inborn genetic diseases. Last evaluated: 2026-08-13. Review status: criteria provided, single submitter. Criteria: Ambry Variant Classification Scheme 2023. Collection method: clinical testing. Allele origin: germline.

Blueprint Genetics
Classification: Uncertain significance. Last evaluated: 2024-04-18. Review status: criteria provided, single submitter. Criteria: ACMG Guidelines, 2015. Collection method: clinical testing. Allele origin: germline.

Labcorp Genetics (formerly Invitae), Labcorp
Classification: Uncertain significance. Last evaluated: 2022-08-22. Review status: criteria provided, single submitter. Criteria: Invitae Variant Classification Sherloc (09022015). Collection method: clinical testing. Allele origin: germline.
Comment: In summary, the available evidence is currently insufficient to determine the role of this variant in disease. Therefore, it has been classified as a Variant of Uncertain Significance. This sequence change replaces methionine, which is neutral and non-polar, with threonine, which is neutral and polar, at codon 632 of the WFS1 protein (p.Met632Thr). This variant is present in population databases (no rsID available, gnomAD 0.006%). This variant has not been reported in the literature in individuals affected with WFS1-related conditions. ClinVar contains an entry for this variant (Variation ID: 1431645). Advanced modeling of protein sequence and biophysical properties (such as structural, functional, and spatial information, amino acid conservation, physicochemical variation, residue mobility, and thermodynamic stability) performed at Invitae indicates that this missense variant is not expected to disrupt WFS1 protein function.

NM_006005.3(WFS1):c.1895T>C (p.Met632Thr)

Gene: WFS1 (wolframin ER transmembrane glycoprotein; plus strand). Cytogenetic location: 4p16.1.
Variant type: single nucleotide variant.
Coding change: c.1895T>C on transcript NM_006005.3 (MANE Select); coding-DNA position 1895, T replaced by C.
Protein change: p.Met632Thr; replaces methionine 632 with threonine.
Molecular consequence: missense variant.
Genome position (GRCh38, 1-based): chr4:6,301,690, T>C. VCF-style: chr4-6301690-T-C. GRCh37 (hg19) VCF-style: chr4-6303417-T-C.
Other names: c.1895T>C, p.Met632Thr (NM_001145853.1); short protein forms M632T.
Identifiers: ClinVar variation 1431645 (VCV001431645.8), dbSNP rs1262126440, ClinGen allele CA356177055.